The following is an entry in ClinVar:

NM_005413.4(SIX3):c.60C>T (p.Ala20=)

Gene: SIX3 (SIX homeobox 3; plus strand). Cytogenetic location: 2p21.
Variant type: single nucleotide variant.
Coding change: c.60C>T on transcript NM_005413.4 (MANE Select); coding-DNA position 60, C replaced by T.
Protein change: p.Ala20=; no amino-acid change (alanine 20 retained).
Molecular consequence: synonymous variant.
Genome position (GRCh38, 1-based): chr2:44,942,164, C>T. VCF-style: chr2-44942164-C-T. GRCh37 (hg19) VCF-style: chr2-45169303-C-T.
Identifiers: ClinVar variation 4535204 (VCV004535204.6).
Genomic context (GRCh38, chr2:44,942,164, plus strand): 5'-CATGGTATTCCGCTCCCCCCTAGACCTCTATTCCTCCCACTTCTTGTTGCCAAACTTCGC[C>T]GATTCTCACCACCGCTCCATACTTCTGGCGAGTAGCGGCGGCGGGAACGGTGCGGGAGGC-3'
Protein context (NP_005404.1, residues 10-30): YSSHFLLPNF[Ala20=]DSHHRSILLA

ClinVar aggregate classification (germline): Likely benign (1 of 4 stars; one submission).

Submission:

CeGaT Center for Human Genetics Tuebingen
Classification: Likely benign. Last evaluated: 2025-11-01. Review status: criteria provided, single submitter. Criteria: CeGaT Center For Human Genetics Tuebingen Variant Classification Criteria Version 2. Collection method: clinical testing. Allele origin: germline. Affected: yes. Observed: 1 variant allele.
Comment: SIX3: BP4, BP7